The following is an entry in ClinVar:

NM_182943.3(PLOD2):c.1967T>G (p.Leu656Arg)

Gene: PLOD2 (procollagen-lysine,2-oxoglutarate 5-dioxygenase 2; minus strand). Cytogenetic location: 3q24.
Variant type: single nucleotide variant.
Coding change: c.1967T>G on transcript NM_182943.3 (MANE Select); coding-DNA position 1967, T replaced by G.
Protein change: p.Leu656Arg; replaces leucine 656 with arginine.
Molecular consequence: missense variant.
Genome position (GRCh38, 1-based): chr3:146,071,305, A>C on the plus strand (T>G on the coding strand, the complement: PLOD2 is on the minus strand). VCF-style: chr3-146071305-A-C. GRCh37 (hg19) VCF-style: chr3-145789092-A-C.
Other names: c.1904T>G, p.Leu635Arg (NM_000935.3); short protein forms L635R, L656R.
Identifiers: ClinVar variation 3361920 (VCV003361920.1).
Genomic context (GRCh38, chr3:146,071,305, plus strand): 5'-GAAATAGGCTGGAGGGGTGAGAGGATAACTACCTTCGTATAATAGCCTGCAAAGACCTTC[A>C]GTGTAACTGGTGCAATGAACTCCCGGATAAAATGAAGCCATACATTCTCCAGATCAACTT-3'
Protein context (NP_891988.1, residues 646-666): FIREFIAPVT[Leu656Arg]KVFAGYYTKG

ClinVar aggregate classification (germline): Uncertain significance (1 of 4 stars; one submission).

gnomAD v4.1: 13 of 1,612,216 alleles (0.00081%); highest among the groups gnomAD compares: Non-Finnish European, 0.0011%; no homozygotes.

Submission:

GeneDx
Classification: Uncertain significance. Last evaluated: 2023-08-01. Review status: criteria provided, single submitter. Criteria: GeneDx Variant Classification Process June 2021. Collection method: clinical testing. Allele origin: germline. Affected: yes.
Comment: Not observed at significant frequency in large population cohorts (gnomAD); In silico analysis supports that this missense variant does not alter protein structure/function; Has not been previously published as pathogenic or benign to our knowledge